The following is an entry in ClinVar:

NM_002658.6(PLAU):c.*398C>T

Genes: C10orf55 (chromosome 10 putative open reading frame 55; minus strand), PLAU (plasminogen activator, urokinase; plus strand). Cytogenetic location: 10q22.2.
Variant type: single nucleotide variant.
Coding change: c.*398C>T on transcript NM_002658.6 (MANE Select); 398 bases downstream of the stop codon, C replaced by T.
Molecular consequence: 3 prime UTR variant.
Genome position (GRCh38, 1-based): chr10:73,916,963, C>T. VCF-style: chr10-73916963-C-T. GRCh37 (hg19) VCF-style: chr10-75676721-C-T.
Other names: c.*398C>T (NM_001145031.3, NM_001319191.2).
Identifiers: ClinVar variation 300770 (VCV000300770.5), dbSNP rs190769030, ClinGen allele CA10635929.

ClinVar aggregate classification (germline): Benign (1 of 4 stars; one submission).

Conditions:
Quebec platelet disorder (QPD). Also called: FACTOR V QUEBEC; BLEEDING DISORDER, PLATELET-TYPE, 5. Identifiers: Orphanet 220436, MedGen C1866423, MONDO:0011136, OMIM 601709.

Allele frequency attached by ClinVar (database versions not stated): 1000 Genomes Project 0.00160; TOPMed 0.00161; gnomAD exomes 0.00038; 1000 Genomes Project 30x 0.00156.
gnomAD v4.1: 260 of 177,268 alleles (0.15%); highest among the groups gnomAD compares: African/African-American, 0.58%; 1 homozygote.

Submission:

Illumina Laboratory Services, Illumina
Classification: Benign for Quebec platelet disorder. Last evaluated: 2018-01-13. Review status: criteria provided, single submitter. Criteria: ICSL Variant Classification Criteria 13 December 2019. Collection method: clinical testing. Allele origin: germline.
Comment: This variant was observed in the ICSL laboratory as part of a predisposition screen in an ostensibly healthy population. It had not been previously curated by ICSL or reported in the Human Gene Mutation Database (HGMD: prior to June 1st, 2018), and was therefore a candidate for classification through an automated scoring system. Utilizing variant allele frequency, disease prevalence and penetrance estimates, and inheritance mode, an automated score was calculated to assess if this variant is too frequent to cause the disease. Based on the score and internal cut-off values, a variant classified as benign is not then subjected to further curation. The score for this variant resulted in a classification of benign for this disease.